The following is an entry in ClinVar:

NM_001005498.4(RHBDF2):c.617G>C (p.Arg206Pro)

Gene: RHBDF2 (rhomboid 5 homolog 2; minus strand). Cytogenetic location: 17q25.1.
Variant type: single nucleotide variant.
Coding change: c.617G>C on transcript NM_001005498.4 (MANE Select); coding-DNA position 617, G replaced by C.
Protein change: p.Arg206Pro; replaces arginine 206 with proline.
Molecular consequence: missense variant. On other transcripts: non-coding transcript variant (3).
Genome position (GRCh38, 1-based): chr17:76,478,861, C>G on the plus strand (G>C on the coding strand, the complement: RHBDF2 is on the minus strand). VCF-style: chr17-76478861-C-G. GRCh37 (hg19) VCF-style: chr17-74474943-C-G.
Other names: c.617G>C, p.Arg206Pro (NM_001376228.1, NM_001376229.1, NM_001376230.1); c.704G>C, p.Arg235Pro (NM_024599.5); short protein forms R206P, R235P.
Identifiers: ClinVar variation 890465 (VCV000890465.9), dbSNP rs145040227, ClinGen allele CA8787299.
Genomic context (GRCh38, chr17:76,478,861, plus strand): 5'-CGCACCTTGAGGAGGGCAGCGGCAGCTTGCAAGCTCATGTGGGCCACAGACATTCTCTTG[C>G]GGCGTGGCAGGTGGGAGTAGCCAGAACGGACACTGGTGAAGGAGGTGAGGGACAGGACTC-3'
Protein context (NP_001005498.2, residues 196-216): VRSGYSHLPR[Arg206Pro]KRMSVAHMSL

ClinVar aggregate classification (germline): Conflicting classifications of pathogenicity. Review status: criteria provided, conflicting classifications (1 of 4 stars). 3 submissions from 3 submitters: Uncertain significance (2); Likely benign (1). Last evaluated 2025-06-19.

Conditions:
Inborn genetic diseases. Identifiers: MedGen C0950123, MeSH D030342.
Palmoplantar keratoderma-esophageal carcinoma syndrome (TOC). Also called: Tylosis with Esophageal Cancer; PALMOPLANTAR KERATODERMA WITH ESOPHAGEAL CANCER; KERATOSIS PALMARIS ET PLANTARIS WITH ESOPHAGEAL CANCER. Identifiers: Orphanet 2198, MedGen C1835664, MONDO:0007856, OMIM 148500.

Allele frequency attached by ClinVar (database versions not stated): 1000 Genomes Project 30x 0.00062; TOPMed 0.00018; 1000 Genomes Project 0.00020.
gnomAD v4.1: 318 of 1,613,524 alleles (0.02%); highest among the groups gnomAD compares: Non-Finnish European, 0.026%; 1 homozygote.

Submissions (3):

Labcorp Genetics (formerly Invitae), Labcorp
Classification: Uncertain significance. Last evaluated: 2025-06-19. Review status: criteria provided, single submitter. Criteria: Invitae Variant Classification Sherloc (09022015). Collection method: clinical testing. Allele origin: germline.
Comment: This sequence change replaces arginine, which is basic and polar, with proline, which is neutral and non-polar, at codon 235 of the RHBDF2 protein (p.Arg235Pro). This variant is present in population databases (rs145040227, gnomAD 0.03%), and has an allele count higher than expected for a pathogenic variant. This variant has not been reported in the literature in individuals affected with RHBDF2-related conditions. ClinVar contains an entry for this variant (Variation ID: 890465). An algorithm developed to predict the effect of missense changes on protein structure and function (PolyPhen-2) suggests that this variant is likely to be tolerated. In summary, the available evidence is currently insufficient to determine the role of this variant in disease. Therefore, it has been classified as a Variant of Uncertain Significance.

Ambry Genetics
Classification: Uncertain significance for Inborn genetic diseases. Last evaluated: 2021-08-12. Review status: criteria provided, single submitter. Criteria: Ambry Variant Classification Scheme 2023. Collection method: clinical testing. Allele origin: germline.

Illumina Laboratory Services, Illumina
Classification: Likely benign for Palmoplantar keratoderma-esophageal carcinoma syndrome. Last evaluated: 2018-01-13. Review status: criteria provided, single submitter. Criteria: ICSL Variant Classification Criteria 13 December 2019. Collection method: clinical testing. Allele origin: germline.
Comment: This variant was observed in the ICSL laboratory as part of a predisposition screen in an ostensibly healthy population. It had not been previously curated by ICSL or reported in the Human Gene Mutation Database (HGMD: prior to June 1st, 2018), and was therefore a candidate for classification through an automated scoring system. Utilizing variant allele frequency, disease prevalence and penetrance estimates, and inheritance mode, an automated score was calculated to assess if this variant is too frequent to cause the disease. Based on the score and internal cut-off values, a variant classified as likely benign is not then subjected to further curation. The score for this variant resulted in a classification of likely benign for this disease.